The following is an entry in ClinVar:

ClinVar aggregate classification (germline): Uncertain significance (1 of 4 stars; one submission).

Conditions:
Amelogenesis imperfecta - hypoplastic autosomal dominant - local (AI1B). Also called: Amelogenesis imperfecta type 1B; ENAMEL HYPOPLASIA, HEREDITARY LOCALIZED. Identifiers: Orphanet 88661, MedGen C0399368, MONDO:0007092, OMIM 104500. Disease mechanism: loss of function.

Allele frequency attached by ClinVar (database versions not stated): TOPMed 0.00015; gnomAD 0.00017 and 0.00018; ExAC 0.00018; gnomAD exomes 0.00018 and 0.00023; ESP Exome Variant Server 0.00031.
gnomAD v4.1: 355 of 1,614,012 alleles (0.022%); highest among the groups gnomAD compares: Non-Finnish European, 0.027%; 1 homozygote.

Submission:

Baylor Genetics
Classification: Uncertain significance for Amelogenesis imperfecta - hypoplastic autosomal dominant - local. Last evaluated: 2018-05-24. Review status: criteria provided, single submitter. Criteria: ACMG Guidelines, 2015. Collection method: clinical testing. Allele origin: maternal. Affected: yes.
Comment: This variant was determined to be of uncertain significance according to ACMG Guidelines, 2015 [PMID:25741868].

NM_031889.3(ENAM):c.2315C>A (p.Ala772Asp)

Gene: ENAM (enamelin; plus strand). Cytogenetic location: 4q13.3.
Variant type: single nucleotide variant.
Coding change: c.2315C>A on transcript NM_031889.3 (MANE Select); coding-DNA position 2315, C replaced by A.
Protein change: p.Ala772Asp; replaces alanine 772 with aspartic acid.
Molecular consequence: missense variant.
Genome position (GRCh38, 1-based): chr4:70,643,741, C>A. VCF-style: chr4-70643741-C-A. GRCh37 (hg19) VCF-style: chr4-71509458-C-A.
Other names: c.1661C>A, p.Ala554Asp (NM_001368133.1); short protein forms A772D, A554D.
Identifiers: ClinVar variation 1031471 (VCV001031471.1), dbSNP rs144070672, ClinGen allele CA2952259.